The following is an entry in ClinVar:

NM_030665.4(RAI1):c.4283C>G (p.Ala1428Gly)

Gene: RAI1 (retinoic acid induced 1; plus strand). Cytogenetic location: 17p11.2.
Variant type: single nucleotide variant.
Coding change: c.4283C>G on transcript NM_030665.4 (MANE Select); coding-DNA position 4283, C replaced by G.
Protein change: p.Ala1428Gly; replaces alanine 1428 with glycine.
Molecular consequence: missense variant.
Genome position (GRCh38, 1-based): chr17:17,797,231, C>G. VCF-style: chr17-17797231-C-G. GRCh37 (hg19) VCF-style: chr17-17700545-C-G.
Other names: c.4283C>G (NM_030665.3); short protein forms A1428G.
Identifiers: ClinVar variation 1995693 (VCV001995693.5), dbSNP rs1176497855, ClinGen allele CA398556302.
Genomic context (GRCh38, chr17:17,797,231, plus strand): 5'-TAAAAGGCAAACTCATGAACAGTAAGAAACTGTCTTCTACTGACTGTTTCAAAACCGAGG[C>G]CTTCACATCCCCGGAGGCCCTGCAGCCTGGGGGGACTGCCCTGGCGCCTAAGAAGAGGAG-3'
Protein context (NP_109590.3, residues 1418-1438): LSSTDCFKTE[Ala1428Gly]FTSPEALQPG

ClinVar aggregate classification (germline): Uncertain significance. Review status: criteria provided, single submitter (1 of 4 stars). 2 submissions from 2 submitters: Uncertain significance (1). 1 of the submissions does not count toward it. Last evaluated 2025-12-22.

Conditions:
RAI1-related disorder. Also called: RAI1-related condition.

gnomAD v4.1: 1 of 1,613,596 alleles (0.000062%); no homozygotes.

Submissions (2):

Labcorp Genetics (formerly Invitae), Labcorp
Classification: Uncertain significance. Last evaluated: 2025-12-22. Review status: criteria provided, single submitter. Criteria: Invitae Variant Classification Sherloc (09022015). Collection method: clinical testing. Allele origin: germline.
Comment: This sequence change replaces alanine, which is neutral and non-polar, with glycine, which is neutral and non-polar, at codon 1428 of the RAI1 protein (p.Ala1428Gly). This variant is not present in population databases (gnomAD no frequency). This variant has not been reported in the literature in individuals affected with RAI1-related conditions. ClinVar contains an entry for this variant (Variation ID: 1995693). Invitae Evidence Modeling of protein sequence and biophysical properties (such as structural, functional, and spatial information, amino acid conservation, physicochemical variation, residue mobility, and thermodynamic stability) indicates that this missense variant is not expected to disrupt RAI1 protein function with a negative predictive value of 80%. In summary, the available evidence is currently insufficient to determine the role of this variant in disease. Therefore, it has been classified as a Variant of Uncertain Significance.

PreventionGenetics, part of Exact Sciences
Classification: Uncertain significance for RAI1-related condition. Last evaluated: 2024-08-19. Review status: no assertion criteria provided. Collection method: clinical testing. Allele origin: germline. Not counted in ClinVar's aggregate classification.
Comment: The RAI1 c.4283C>G variant is predicted to result in the amino acid substitution p.Ala1428Gly. To our knowledge, this variant has not been reported in the literature or in a large population database, indicating this variant is rare. At this time, the clinical significance of this variant is uncertain due to the absence of conclusive functional and genetic evidence.